The following is an entry in ClinVar:

NM_002788.4(PSMA3):c.257G>A (p.Arg86His)

Gene: PSMA3 (proteasome 20S subunit alpha 3; plus strand). Cytogenetic location: 14q23.1.
Variant type: single nucleotide variant.
Coding change: c.257G>A on transcript NM_002788.4 (MANE Select); coding-DNA position 257, G replaced by A.
Protein change: p.Arg86His; replaces arginine 86 with histidine.
Molecular consequence: missense variant. On other transcripts: non-coding transcript variant (1).
Genome position (GRCh38, 1-based): chr14:58,257,773, G>A. VCF-style: chr14-58257773-G-A. GRCh37 (hg19) VCF-style: chr14-58724491-G-A.
Other names: c.257G>A (NM_002788.3); c.257G>A, p.Arg86His (NM_152132.3); short protein forms R86H.
Identifiers: ClinVar variation 1923455 (VCV001923455.6), dbSNP rs901867786, ClinGen allele CA261600175.
Genomic context (GRCh38, chr14:58,257,773, plus strand): 5'-GTTCCTCTAGTAAATTGGTGCTTTTTTTTCAGGCAGTAGCAGGTTTGTTGGCAGATGCTC[G>A]TTCTTTAGCAGACATAGCAAGAGAAGAAGCTTCCAACTTCAGATCTAACTTTGGCTACAA-3'
Protein context (NP_002779.1, residues 76-96): MAVAGLLADA[Arg86His]SLADIAREEA

ClinVar aggregate classification (germline): Uncertain significance. Review status: criteria provided, multiple submitters, no conflicts (2 of 4 stars). 2 submissions from 2 submitters: Uncertain significance (2). Last evaluated 2023-11-10.

Allele frequency attached by ClinVar (database versions not stated): gnomAD 0.00001; TOPMed 0.00002.
gnomAD v4.1: 17 of 1,611,422 alleles (0.0011%); highest among the groups gnomAD compares: African/African-American, 0.004%; no homozygotes.

Submissions (2):

Ambry Genetics
Classification: Uncertain significance. Last evaluated: 2023-11-10. Review status: criteria provided, single submitter. Criteria: Ambry Variant Classification Scheme 2023. Collection method: clinical testing. Allele origin: germline.

Labcorp Genetics (formerly Invitae), Labcorp
Classification: Uncertain significance. Last evaluated: 2023-03-01. Review status: criteria provided, single submitter. Criteria: Invitae Variant Classification Sherloc (09022015). Collection method: clinical testing. Allele origin: germline.
Comment: In summary, the available evidence is currently insufficient to determine the role of this variant in disease. Therefore, it has been classified as a Variant of Uncertain Significance. An algorithm developed to predict the effect of missense changes on protein structure and function (PolyPhen-2) suggests that this variant is likely to be disruptive. ClinVar contains an entry for this variant (Variation ID: 1923455). This variant has not been reported in the literature in individuals affected with PSMA3-related conditions. This variant is present in population databases (no rsID available, gnomAD 0.008%). This sequence change replaces arginine, which is basic and polar, with histidine, which is basic and polar, at codon 86 of the PSMA3 protein (p.Arg86His).